The following is an entry in ClinVar:

NM_021098.3(CACNA1H):c.6223G>A (p.Gly2075Arg)

Gene: CACNA1H (calcium voltage-gated channel subunit alpha1 H; plus strand). Cytogenetic location: 16p13.3.
Variant type: single nucleotide variant.
Coding change: c.6223G>A on transcript NM_021098.3 (MANE Select); coding-DNA position 6223, G replaced by A.
Protein change: p.Gly2075Arg; replaces glycine 2075 with arginine.
Molecular consequence: missense variant.
Genome position (GRCh38, 1-based): chr16:1,220,155, G>A. VCF-style: chr16-1220155-G-A. GRCh37 (hg19) VCF-style: chr16-1270155-G-A.
Other names: c.6205G>A, p.Gly2069Arg (NM_001005407.2); short protein forms G2069R, G2075R.
Identifiers: ClinVar variation 1435915 (VCV001435915.9), dbSNP rs541001877, ClinGen allele CA7802273.

ClinVar aggregate classification (germline): Uncertain significance. Review status: criteria provided, multiple submitters, no conflicts (2 of 4 stars). 2 submissions from 2 submitters: Uncertain significance (2). Last evaluated 2024-06-04.

Conditions:
Idiopathic generalized epilepsy. Also called: Generalised epilepsy; EIG. Identifiers: MedGen C0270850, MONDO:0005579, OMIM 600669.
Hyperaldosteronism, familial, type IV (HALD4). Also called: FH IV; ALDOSTERONISM, PRIMARY, AND HYPERTENSION. Identifiers: Orphanet 642671, MedGen C4310756, MONDO:0014875, OMIM 617027.
Epilepsy, childhood absence, susceptibility to, 6. Identifiers: Orphanet 64280, MedGen C2749872, MONDO:0012763, OMIM 611942.

Allele frequency attached by ClinVar (database versions not stated): ExAC 0.00001; gnomAD 0.00001 and 0.00002; gnomAD exomes 0.00001; TOPMed 0.00001; 1000 Genomes Project 30x 0.00016; 1000 Genomes Project 0.00040.
gnomAD v4.1: 18 of 1,522,700 alleles (0.0012%); highest among the groups gnomAD compares: South Asian, 0.0052%; no homozygotes.

Submissions (2):

Fulgent Genetics
Classification: Uncertain significance for Epilepsy, childhood absence, susceptibility to, 6; Hyperaldosteronism, familial, type IV. Last evaluated: 2024-06-04. Review status: criteria provided, single submitter. Criteria: ACMG Guidelines, 2015. Collection method: clinical testing. Allele origin: germline.

Labcorp Genetics (formerly Invitae), Labcorp
Classification: Uncertain significance for Idiopathic generalized epilepsy; Hyperaldosteronism, familial, type IV. Last evaluated: 2024-06-03. Review status: criteria provided, single submitter. Criteria: Invitae Variant Classification Sherloc (09022015). Collection method: clinical testing. Allele origin: germline.
Comment: This sequence change replaces glycine, which is neutral and non-polar, with arginine, which is basic and polar, at codon 2075 of the CACNA1H protein (p.Gly2075Arg). The frequency data for this variant in the population databases is considered unreliable, as metrics indicate poor data quality at this position in the gnomAD database. This variant has not been reported in the literature in individuals affected with CACNA1H-related conditions. ClinVar contains an entry for this variant (Variation ID: 1435915). Advanced modeling of protein sequence and biophysical properties (such as structural, functional, and spatial information, amino acid conservation, physicochemical variation, residue mobility, and thermodynamic stability) performed at Invitae indicates that this missense variant is not expected to disrupt CACNA1H protein function with a negative predictive value of 80%. In summary, the available evidence is currently insufficient to determine the role of this variant in disease. Therefore, it has been classified as a Variant of Uncertain Significance.